The following is an entry in ClinVar:

ClinVar aggregate classification (germline): Uncertain significance (1 of 4 stars; one submission).

Conditions:
Neuronal ceroid lipofuscinosis 7 (CLN7). Also called: MFSD8-Related Neuronal Ceroid-Lipofuscinosis. Identifiers: Orphanet 168491, Orphanet 228366, MedGen C1838571, MONDO:0012588, OMIM 610951.

Submission:

Labcorp Genetics (formerly Invitae), Labcorp
Classification: Uncertain significance for Neuronal ceroid lipofuscinosis 7. Last evaluated: 2022-05-04. Review status: criteria provided, single submitter. Criteria: Invitae Variant Classification Sherloc (09022015). Collection method: clinical testing. Allele origin: germline.
Comment: This variant has not been reported in the literature in individuals affected with MFSD8-related conditions. Algorithms developed to predict the effect of missense changes on protein structure and function (SIFT, PolyPhen-2, Align-GVGD) all suggest that this variant is likely to be disruptive. Algorithms developed to predict the effect of sequence changes on RNA splicing suggest that this variant may disrupt the consensus splice site. In summary, the available evidence is currently insufficient to determine the role of this variant in disease. Therefore, it has been classified as a Variant of Uncertain Significance. This variant is not present in population databases (gnomAD no frequency). This sequence change replaces arginine, which is basic and polar, with serine, which is neutral and polar, at codon 153 of the MFSD8 protein (p.Arg153Ser).

NM_001371596.2(MFSD8):c.459A>T (p.Arg153Ser)

Gene: MFSD8 (major facilitator superfamily domain containing 8; minus strand). Cytogenetic location: 4q28.2.
Variant type: single nucleotide variant.
Coding change: c.459A>T on transcript NM_001371596.2 (MANE Select); coding-DNA position 459, A replaced by T.
Protein change: p.Arg153Ser; replaces arginine 153 with serine.
Molecular consequence: missense variant. On other transcripts: intron variant (4).
Genome position (GRCh38, 1-based): chr4:127,942,139, T>A on the plus strand (A>T on the coding strand, the complement: MFSD8 is on the minus strand). VCF-style: chr4-127942139-T-A. GRCh37 (hg19) VCF-style: chr4-128863294-T-A.
Other names: c.459A>T, p.Arg153Ser (NM_001363520.3, NM_001371591.2, NM_001371592.2 and 2 more transcripts); c.324A>T, p.Arg108Ser (NM_001371590.2, NM_001371595.1); c.304+1613A>T (NM_001410765.1); c.439+1613A>T (NM_001363521.3, NM_001410766.1, NM_001371593.2); short protein forms R153S, R108S.
Identifiers: ClinVar variation 2091407 (VCV002091407.4), dbSNP rs2148915775, ClinGen allele CA358176445.